The following is an entry in ClinVar:

ClinVar aggregate classification (germline): Uncertain significance (1 of 4 stars; one submission).

Submission:

Labcorp Genetics (formerly Invitae), Labcorp
Classification: Uncertain significance. Last evaluated: 2023-07-17. Review status: criteria provided, single submitter. Criteria: Invitae Variant Classification Sherloc (09022015). Collection method: clinical testing. Allele origin: germline.
Comment: Advanced modeling of protein sequence and biophysical properties (such as structural, functional, and spatial information, amino acid conservation, physicochemical variation, residue mobility, and thermodynamic stability) performed at Invitae indicates that this missense variant is not expected to disrupt PDE6B protein function. In summary, the available evidence is currently insufficient to determine the role of this variant in disease. Therefore, it has been classified as a Variant of Uncertain Significance. ClinVar contains an entry for this variant (Variation ID: 2125560). This variant has not been reported in the literature in individuals affected with PDE6B-related conditions. This variant is not present in population databases (gnomAD no frequency). This sequence change replaces leucine, which is neutral and non-polar, with valine, which is neutral and non-polar, at codon 83 of the PDE6B protein (p.Leu83Val).

NM_000283.4(PDE6B):c.247C>G (p.Leu83Val)

Gene: PDE6B (phosphodiesterase 6B; plus strand). Cytogenetic location: 4p16.3.
Variant type: single nucleotide variant.
Coding change: c.247C>G on transcript NM_000283.4 (MANE Select); coding-DNA position 247, C replaced by G.
Protein change: p.Leu83Val; replaces leucine 83 with valine.
Molecular consequence: missense variant.
Genome position (GRCh38, 1-based): chr4:625,873, C>G. VCF-style: chr4-625873-C-G. GRCh37 (hg19) VCF-style: chr4-619662-C-G.
Other names: c.247C>G, p.Leu83Val (NM_001145291.2); short protein forms L83V.
Identifiers: ClinVar variation 2125560 (VCV002125560.4), dbSNP rs141729573, ClinGen allele CA355906549.